The following is an entry in ClinVar:

ClinVar aggregate classification (germline): Pathogenic. Review status: criteria provided, multiple submitters, no conflicts (2 of 4 stars). 8 submissions from 8 submitters: Pathogenic (7). 1 of the submissions does not count toward it. Last evaluated 2026-01-08.

Conditions:
Medium-chain acyl-coenzyme A dehydrogenase deficiency (ACADMD). Also called: MCADH DEFICIENCY; CARNITINE DEFICIENCY SECONDARY TO MEDIUM-CHAIN ACYL-CoA DEHYDROGENASE DEFICIENCY; ACADM DEFICIENCY; MCADD; Medium chain acyl-CoA dehydrogenase deficiency; MCAD Deficiency. Identifiers: Orphanet 42, MedGen C0220710, MONDO:0008721, OMIM 201450.

Allele frequency attached by ClinVar (database versions not stated): 1000 Genomes Project 0.00020; 1000 Genomes Project 30x 0.00031; gnomAD exomes below 0.00001 and 0.00001; TOPMed 0.00001; gnomAD 0.00003; ESP Exome Variant Server 0.00008; ExAC 0.00002.

Submissions (8):

Natera, Inc.
Classification: Pathogenic for Medium Chain Acyl-CoA Dehydrogenase Deficiency. Last evaluated: 2026-01-08. Review status: criteria provided, single submitter. Criteria: Natera Variant Classification Schema (03/2026). Collection method: clinical testing. Allele origin: germline.
Comment: The c.1045C>T variant in ACADM is a nonsense variant predicted to introduce a stop codon at amino acid 349. This variant is expected to result in nonsense mediated decay, truncation, or a dysfunctional protein product. This variant is rare in the general population with a frequency below the threshold expected for the associated phenotype(s). This variant has been observed in one or more individuals affected with the associated recessive disease, as either homozygous or compound heterozygous with a second variant (PMID: 31033143). Given the available evidence, this variant is classified as Pathogenic.

Labcorp Genetics (formerly Invitae), Labcorp
Classification: Pathogenic for Medium-chain acyl-coenzyme A dehydrogenase deficiency. Last evaluated: 2025-07-30. Review status: criteria provided, single submitter. Criteria: Invitae Variant Classification Sherloc (09022015). Collection method: clinical testing. Allele origin: germline.
Comment: This sequence change creates a premature translational stop signal (p.Arg349*) in the ACADM gene. It is expected to result in an absent or disrupted protein product. Loss-of-function variants in ACADM are known to be pathogenic (PMID: 16121256, 20434380). This variant is present in population databases (rs148207467, gnomAD 0.004%). This premature translational stop signal has been observed in individuals with medium-chain acyl-coenzyme A dehydrogenase deficiency (PMID: 8198141, 23829193). This variant is also known as R324X. ClinVar contains an entry for this variant (Variation ID: 189016). For these reasons, this variant has been classified as Pathogenic.

GeneDx
Classification: Pathogenic. Last evaluated: 2025-06-03. Review status: criteria provided, single submitter. Criteria: GeneDx Variant Classification Process June 2021. Collection method: clinical testing. Allele origin: germline.
Comment: Nonsense variant predicted to result in protein truncation or nonsense mediated decay in a gene for which loss of function is a known mechanism of disease; Not observed at significant frequency in large population cohorts (gnomAD); Also known as p.(R324*); This variant is associated with the following publications: (PMID: 33841490, 23829193, 25087612, 31033143, 8198141, 36068006)

Baylor Genetics
Classification: Pathogenic for Medium-chain acyl-coenzyme A dehydrogenase deficiency. Last evaluated: 2023-12-03. Review status: criteria provided, single submitter. Criteria: ACMG Guidelines, 2015. Collection method: clinical testing. Allele origin: unknown.

Women's Health and Genetics/Laboratory Corporation of America, LabCorp
Classification: Pathogenic for Medium-chain acyl-coenzyme A dehydrogenase deficiency. Last evaluated: 2022-10-14. Review status: criteria provided, single submitter. Criteria: LabCorp Variant Classification Summary - May 2015. Collection method: clinical testing. Allele origin: germline.
Comment: Variant summary: ACADM c.1045C>T (p.Arg349X) results in a premature termination codon, predicted to cause a truncation of the encoded protein or absence of the protein due to nonsense mediated decay, which are commonly known mechanisms for disease. Truncations downstream of this position have been classified as pathogenic by our laboratory. The variant allele was found at a frequency of 4e-06 in 251390 control chromosomes. c.1045C>T has been reported in the literature as a compound heterozygous genotype in individuals clinically and biochemically diagnosed with Medium Chain Acyl-CoA Dehydrogenase Deficiency (example: Anderesen_1994, Ventura_2014, Li_2019). These data indicate that the variant is likely to be associated with disease. Experimental evidence evaluating an impact on protein function demonstrated the variant results in no enzyme activity (Andresen_1994). Four clinical diagnostic laboratories have submitted clinical-significance assessments for this variant to ClinVar after 2014 and classified the variant as pathogenic. Based on the evidence outlined above, the variant was classified as pathogenic.

Revvity Omics, Revvity
Classification: Pathogenic for Medium-chain acyl-coenzyme A dehydrogenase deficiency. Last evaluated: 2020-07-07. Review status: criteria provided, single submitter. Criteria: ACMG Guidelines, 2015. Collection method: clinical testing. Allele origin: germline.

Center for Pediatric Genomic Medicine, Children's Mercy Hospital and Clinics
Classification: Pathogenic. Last evaluated: 2016-07-20. Review status: criteria provided, single submitter. Criteria: ACMG Guidelines, 2015. Collection method: clinical testing. Allele origin: germline.

Counsyl
Classification: Likely pathogenic for Medium-chain acyl-coenzyme A dehydrogenase deficiency. Last evaluated: 2014-10-15. Review status: no assertion criteria provided. Collection method: literature only. Allele origin: unknown. Inheritance: Autosomal recessive inheritance. Not counted in ClinVar's aggregate classification.

Literature cited by the submitters: PubMed 31033143 (cited by Natera, Inc. and Women's Health and Genetics/Laboratory Corporation of America, LabCorp); PubMed 16121256 (cited by Labcorp Genetics (formerly Invitae), Labcorp); PubMed 20434380 (cited by Labcorp Genetics (formerly Invitae), Labcorp); PubMed 8198141 (cited by 3 submitters); PubMed 23829193 (cited by 3 submitters).

NM_000016.6(ACADM):c.1045C>T (p.Arg349Ter)

Gene: ACADM (acyl-CoA dehydrogenase medium chain; plus strand). Cytogenetic location: 1p31.1.
Variant type: single nucleotide variant.
Coding change: c.1045C>T on transcript NM_000016.6 (MANE Select); coding-DNA position 1045, C replaced by T.
Protein change: p.Arg349Ter; replaces arginine 349 with a stop codon.
Molecular consequence: nonsense.
Genome position (GRCh38, 1-based): chr1:75,761,221, C>T. VCF-style: chr1-75761221-C-T. GRCh37 (hg19) VCF-style: chr1-76226906-C-T.
Other names: c.1057C>T, p.Arg353Ter (NM_001127328.3); c.937C>T, p.Arg313Ter (NM_001286042.2); c.1144C>T, p.Arg382Ter (NM_001286043.2); c.478C>T, p.Arg160Ter (NM_001286044.2); short protein forms R349*, R353*, R160*, R313*, R382*.
Identifiers: ClinVar variation 189016 (VCV000189016.23), dbSNP rs148207467, ClinGen allele CA274261.